The following is an entry in ClinVar:

NM_000051.4(ATM):c.2533A>C (p.Asn845His)

Gene: ATM (ATM serine/threonine kinase; plus strand). Cytogenetic location: 11q22.3.
Variant type: single nucleotide variant.
Coding change: c.2533A>C on transcript NM_000051.4 (MANE Select); coding-DNA position 2533, A replaced by C.
Protein change: p.Asn845His; replaces asparagine 845 with histidine.
Molecular consequence: missense variant.
Genome position (GRCh38, 1-based): chr11:108,267,237, A>C. VCF-style: chr11-108267237-A-C. GRCh37 (hg19) VCF-style: chr11-108137964-A-C.
Other names: c.2533A>C, p.Asn845His (NM_001351834.2); short protein forms N845H.
Identifiers: ClinVar variation 821407 (VCV000821407.13), dbSNP rs1591587679, ClinGen allele CA382543571.

ClinVar aggregate classification (germline): Uncertain significance. Review status: criteria provided, multiple submitters, no conflicts (2 of 4 stars). 3 submissions from 3 submitters: Uncertain significance (3). Last evaluated 2025-06-01.

Conditions:
Familial cancer of breast. Also called: Hereditary breast cancer; hereditary breast carcinoma; BREAST CANCER, FAMILIAL. Identifiers: Orphanet 227535, MedGen C0346153, MONDO:0016419, OMIM 114480. Disease mechanism: loss of function.
Ataxia-telangiectasia syndrome (AT). Also called: Cerebello-oculocutaneous telangiectasia; Immunodeficiency with ataxia telangiectasia; Ataxia-telangiectasia, complementation group E; Ataxia-telangiectasia, complementation group D; AT, COMPLEMENTATION GROUP C; ATAXIA-TELANGIECTASIA, COMPLEMENTATION GROUP A. Identifiers: Orphanet 100, MedGen C0004135, MONDO:0008840, OMIM 208900.
Hereditary cancer-predisposing syndrome. Also called: Hereditary Cancer Syndrome; Neoplastic Syndromes, Hereditary; Hereditary neoplastic syndrome; Tumor predisposition. Identifiers: Orphanet 140162, MedGen C0027672, MeSH D009386, MONDO:0015356.

Allele frequency attached by ClinVar (database versions not stated): gnomAD exomes below 0.00001.
gnomAD v4.1: 1 of 1,614,140 alleles (0.000062%); highest among the groups gnomAD compares: Non-Finnish European, 0.000085%; no homozygotes.

Submissions (3):

Labcorp Genetics (formerly Invitae), Labcorp
Classification: Uncertain significance for Ataxia-telangiectasia syndrome. Last evaluated: 2025-06-01. Review status: criteria provided, single submitter. Criteria: Invitae Variant Classification Sherloc (09022015). Collection method: clinical testing. Allele origin: germline.
Comment: This sequence change replaces asparagine, which is neutral and polar, with histidine, which is basic and polar, at codon 845 of the ATM protein (p.Asn845His). This variant is not present in population databases (gnomAD no frequency). This variant has not been reported in the literature in individuals affected with ATM-related conditions. ClinVar contains an entry for this variant (Variation ID: 821407). Invitae Evidence Modeling of protein sequence and biophysical properties (such as structural, functional, and spatial information, amino acid conservation, physicochemical variation, residue mobility, and thermodynamic stability) indicates that this missense variant is not expected to disrupt ATM protein function with a negative predictive value of 95%. In summary, the available evidence is currently insufficient to determine the role of this variant in disease. Therefore, it has been classified as a Variant of Uncertain Significance.

Ambry Genetics
Classification: Uncertain significance for Hereditary cancer-predisposing syndrome. Last evaluated: 2025-04-13. Review status: criteria provided, single submitter. Criteria: Ambry Variant Classification Scheme 2023. Collection method: clinical testing. Allele origin: germline.
Comment: The p.N845H variant (also known as c.2533A>C), located in coding exon 16 of the ATM gene, results from an A to C substitution at nucleotide position 2533. The asparagine at codon 845 is replaced by histidine, an amino acid with similar properties. This amino acid position is not well conserved in available vertebrate species. In addition, this alteration is predicted to be tolerated by in silico analysis. Since supporting evidence is limited at this time, the clinical significance of this alteration remains unclear.

Mendelics
Classification: Uncertain significance. Last evaluated: 2022-05-04. Review status: criteria provided, single submitter. Criteria: Mendelics Assertion Criteria 2019. Collection method: clinical testing. Allele origin: germline.